The following is an entry in ClinVar:

NM_001036.6(RYR3):c.8542G>A (p.Glu2848Lys)

Gene: RYR3 (ryanodine receptor 3; plus strand). Cytogenetic location: 15q14.
Variant type: single nucleotide variant.
Coding change: c.8542G>A on transcript NM_001036.6 (MANE Select); coding-DNA position 8542, G replaced by A.
Protein change: p.Glu2848Lys; replaces glutamic acid 2848 with lysine.
Molecular consequence: missense variant.
Genome position (GRCh38, 1-based): chr15:33,756,332, G>A. VCF-style: chr15-33756332-G-A. GRCh37 (hg19) VCF-style: chr15-34048533-G-A.
Other names: c.8542G>A, p.Glu2848Lys (NM_001243996.4); short protein forms E2848K.
Identifiers: ClinVar variation 461969 (VCV000461969.14), dbSNP rs190035689, ClinGen allele CA7460246.

ClinVar aggregate classification (germline): Likely benign. Review status: criteria provided, single submitter (1 of 4 stars). 2 submissions from 2 submitters: Likely benign (1). 1 of the submissions does not count toward it. Last evaluated 2024-04-10.

Conditions:
RYR3-related disorder. Also called: RYR3-related condition.
Epileptic encephalopathy. Identifiers: MedGen C0543888, HP:0200134.

Allele frequency attached by ClinVar (database versions not stated): gnomAD 0.00117 and 0.00124; 1000 Genomes Project 0.00140; gnomAD exomes 0.00032 and 0.00019; ESP Exome Variant Server 0.00109; TOPMed 0.00133; ExAC 0.00097; 1000 Genomes Project 30x 0.00125.
gnomAD v4.1: 446 of 1,581,714 alleles (0.028%); highest among the groups gnomAD compares: African/African-American, 0.42%; 1 homozygote.

Submissions (2):

Labcorp Genetics (formerly Invitae), Labcorp
Classification: Likely benign for Epileptic encephalopathy. Last evaluated: 2024-04-10. Review status: criteria provided, single submitter. Criteria: Invitae Variant Classification Sherloc (09022015). Collection method: clinical testing. Allele origin: germline.

PreventionGenetics, part of Exact Sciences
Classification: Likely benign for RYR3-related condition. Last evaluated: 2022-02-21. Review status: no assertion criteria provided. Collection method: clinical testing. Allele origin: germline. Not counted in ClinVar's aggregate classification.
Comment: This variant is classified as likely benign based on ACMG/AMP sequence variant interpretation guidelines (Richards et al. 2015 PMID: 25741868, with internal and published modifications).